The following is an entry in ClinVar:

NM_005460.4(SNCAIP):c.636C>T (p.Pro212=)

Gene: SNCAIP (synuclein alpha interacting protein; plus strand). Cytogenetic location: 5q23.2.
Variant type: single nucleotide variant.
Coding change: c.636C>T on transcript NM_005460.4 (MANE Select); coding-DNA position 636, C replaced by T.
Protein change: p.Pro212=; no amino-acid change (proline 212 retained).
Molecular consequence: synonymous variant. On other transcripts: non-coding transcript variant (1), intron variant (5).
Genome position (GRCh38, 1-based): chr5:122,423,373, C>T. VCF-style: chr5-122423373-C-T. GRCh37 (hg19) VCF-style: chr5-121759068-C-T.
Other names: c.777C>T, p.Pro259= (NM_001308100.2); c.636C>T, p.Pro212= (NM_001308105.1); c.85-8596C>T (NM_001242935.3, NM_001308107.2); c.85-17256C>T (NM_001308109.2); c.79-8596C>T (NM_001308106.1); c.85-1979C>T (NM_001308108.1).
Identifiers: ClinVar variation 350487 (VCV000350487.34), dbSNP rs56331004, ClinGen allele CA3384682.

ClinVar aggregate classification (germline): Benign/Likely benign. Review status: criteria provided, multiple submitters, no conflicts (2 of 4 stars). 4 submissions from 4 submitters: Benign (1); Likely benign (3). Last evaluated 2024-11-15.

Conditions:
Parkinson Disease, Dominant/Recessive.

Allele frequency attached by ClinVar (database versions not stated): ESP Exome Variant Server 0.00069; TOPMed 0.00079; ExAC 0.00153; gnomAD exomes 0.00156; gnomAD 0.00189 and 0.00204; 1000 Genomes Project 30x 0.00047; 1000 Genomes Project 0.00060.
gnomAD v4.1: 1,930 of 1,613,544 alleles (0.12%); highest among the groups gnomAD compares: Non-Finnish European, 0.1%; 11 homozygotes.

Submissions (4):

Blueprint Genetics
Classification: Likely benign. Last evaluated: 2024-11-15. Review status: criteria provided, single submitter. Criteria: ACMG Guidelines, 2015. Collection method: clinical testing. Allele origin: germline.

CeGaT Center for Human Genetics Tuebingen
Classification: Likely benign. Last evaluated: 2024-09-01. Review status: criteria provided, single submitter. Criteria: CeGaT Center For Human Genetics Tuebingen Variant Classification Criteria Version 2. Collection method: clinical testing. Allele origin: germline. Affected: yes. Observed: 2 variant alleles.
Comment: SNCAIP: BP4, BP7

Labcorp Genetics (formerly Invitae), Labcorp
Classification: Benign. Last evaluated: 2019-12-31. Review status: criteria provided, single submitter. Criteria: Invitae Variant Classification Sherloc (09022015). Collection method: clinical testing. Allele origin: germline.

Illumina Laboratory Services, Illumina
Classification: Likely benign for Parkinson Disease, Dominant/Recessive. Last evaluated: 2018-01-13. Review status: criteria provided, single submitter. Criteria: ICSL Variant Classification Criteria 13 December 2019. Collection method: clinical testing. Allele origin: germline.
Comment: This variant was observed in the ICSL laboratory as part of a predisposition screen in an ostensibly healthy population. It had not been previously curated by ICSL or reported in the Human Gene Mutation Database (HGMD: prior to June 1st, 2018), and was therefore a candidate for classification through an automated scoring system. Utilizing variant allele frequency, disease prevalence and penetrance estimates, and inheritance mode, an automated score was calculated to assess if this variant is too frequent to cause the disease. Based on the score and internal cut-off values, a variant classified as likely benign is not then subjected to further curation. The score for this variant resulted in a classification of likely benign for this disease.